The following is an entry in ClinVar:

NM_177438.3(DICER1):c.4001C>T (p.Thr1334Ile)

Gene: DICER1 (dicer 1, ribonuclease III; minus strand). Cytogenetic location: 14q32.13.
Variant type: single nucleotide variant.
Coding change: c.4001C>T on transcript NM_177438.3 (MANE Select); coding-DNA position 4001, C replaced by T.
Protein change: p.Thr1334Ile; replaces threonine 1334 with isoleucine.
Molecular consequence: missense variant.
Genome position (GRCh38, 1-based): chr14:95,103,395, G>A on the plus strand (C>T on the coding strand, the complement: DICER1 is on the minus strand). VCF-style: chr14-95103395-G-A. GRCh37 (hg19) VCF-style: chr14-95569732-G-A.
Other names: c.4001C>T, p.Thr1334Ile (NM_001195573.1, NM_001271282.3, NM_001291628.2 and 1 more transcripts); short protein forms T1334I.
Identifiers: ClinVar variation 477173 (VCV000477173.11), dbSNP rs1555369296, ClinGen allele CA390872982.

ClinVar aggregate classification (germline): Uncertain significance. Review status: criteria provided, multiple submitters, no conflicts (2 of 4 stars). 2 submissions from 2 submitters: Uncertain significance (2). Last evaluated 2025-05-22.

Conditions:
DICER1-related tumor predisposition. Also called: DICER1-related pleuropulmonary blastoma cancer predisposition syndrome; DICER1 syndrome. Identifiers: Orphanet 284343, MedGen C3839822, MONDO:0100216.
Hereditary cancer-predisposing syndrome. Also called: Tumor predisposition; Neoplastic Syndromes, Hereditary; Hereditary Cancer Syndrome; Hereditary neoplastic syndrome. Identifiers: Orphanet 140162, MedGen C0027672, MeSH D009386, MONDO:0015356.

gnomAD v4.1: 2 of 1,614,204 alleles (0.00012%); highest among the groups gnomAD compares: South Asian, 0.0011%; no homozygotes.

Submissions (2):

Labcorp Genetics (formerly Invitae), Labcorp
Classification: Uncertain significance for DICER1-related tumor predisposition. Last evaluated: 2025-05-22. Review status: criteria provided, single submitter. Criteria: Invitae Variant Classification Sherloc (09022015). Collection method: clinical testing. Allele origin: germline.
Comment: This sequence change replaces threonine, which is neutral and polar, with isoleucine, which is neutral and non-polar, at codon 1334 of the DICER1 protein (p.Thr1334Ile). This variant is not present in population databases (gnomAD no frequency). This variant has not been reported in the literature in individuals affected with DICER1-related conditions. ClinVar contains an entry for this variant (Variation ID: 477173). Invitae Evidence Modeling of protein sequence and biophysical properties (such as structural, functional, and spatial information, amino acid conservation, physicochemical variation, residue mobility, and thermodynamic stability) indicates that this missense variant is not expected to disrupt DICER1 protein function with a negative predictive value of 95%. In summary, the available evidence is currently insufficient to determine the role of this variant in disease. Therefore, it has been classified as a Variant of Uncertain Significance.

Ambry Genetics
Classification: Uncertain significance for Hereditary cancer-predisposing syndrome. Last evaluated: 2024-07-08. Review status: criteria provided, single submitter. Criteria: Ambry Variant Classification Scheme 2023. Collection method: clinical testing. Allele origin: germline.
Comment: The p.T1334I variant (also known as c.4001C>T), located in coding exon 20 of the DICER1 gene, results from a C to T substitution at nucleotide position 4001. The threonine at codon 1334 is replaced by isoleucine, an amino acid with similar properties. This amino acid position is highly conserved in available vertebrate species. In addition, this alteration is predicted to be deleterious by in silico analysis. Based on the available evidence, the clinical significance of this variant remains unclear.